The following is an entry in ClinVar:

ClinVar aggregate classification (germline): Uncertain significance (1 of 4 stars; one submission).

Submission:

GeneDx
Classification: Uncertain significance. Last evaluated: 2019-07-11. Review status: criteria provided, single submitter. Criteria: GeneDx Variant Classification Process June 2021. Collection method: clinical testing. Allele origin: germline. Affected: yes.
Comment: Not observed in large population cohorts (Lek et al., 2016); In silico analysis, which includes protein predictors and evolutionary conservation, supports that this variant does not alter protein structure/function; Has not been previously published as pathogenic or benign to our knowledge; Variants in candidate genes are classified as variants of uncertain significance in accordance with ACMG guidelines (Richards et al., 2015)

NM_007192.4(SUPT16H):c.2206A>G (p.Thr736Ala)

Gene: SUPT16H (SPT16 homolog, facilitates chromatin remodeling subunit; minus strand). Cytogenetic location: 14q11.2.
Variant type: single nucleotide variant.
Coding change: c.2206A>G on transcript NM_007192.4 (MANE Select); coding-DNA position 2206, A replaced by G.
Protein change: p.Thr736Ala; replaces threonine 736 with alanine.
Molecular consequence: missense variant.
Genome position (GRCh38, 1-based): chr14:21,359,579, T>C on the plus strand (A>G on the coding strand, the complement: SUPT16H is on the minus strand). VCF-style: chr14-21359579-T-C. GRCh37 (hg19) VCF-style: chr14-21827738-T-C.
Other names: short protein forms T736A.
Identifiers: ClinVar variation 1306719 (VCV001306719.2), dbSNP rs2139399662, ClinGen allele CA388862718.
Genomic context (GRCh38, chr14:21,359,579, plus strand): 5'-GCTGATGTTTCCCCAAGTCCGTGGTTATCTCTCCCACTTCTGTGTAGAACTGCACATCCG[T>C]GTGCCGCTTCTTCCCAAACATGATGGCATTCTGTCGGCATAAAACAGAAAGAACACAGAA-3'
Protein context (NP_009123.1, residues 726-746): NAIMFGKKRH[Thr736Ala]DVQFYTEVGE